The following is an entry in ClinVar:

NM_005733.3(KIF20A):c.1206C>T (p.Ser402=)

Gene: KIF20A (kinesin family member 20A; plus strand). Cytogenetic location: 5q31.2.
Variant type: single nucleotide variant.
Coding change: c.1206C>T on transcript NM_005733.3 (MANE Select); coding-DNA position 1206, C replaced by T.
Protein change: p.Ser402=; no amino-acid change (serine 402 retained).
Molecular consequence: synonymous variant.
Genome position (GRCh38, 1-based): chr5:138,183,754, C>T. VCF-style: chr5-138183754-C-T. GRCh37 (hg19) VCF-style: chr5-137519443-C-T.
Identifiers: ClinVar variation 2083994 (VCV002083994.5), dbSNP rs565096672, ClinGen allele CA3426534.
Genomic context (GRCh38, chr5:138,183,754, plus strand): 5'-CATCTTCTCAATCAGGATCCTACACCTTCAGGGGGAAGGAGATATAGTCCCCAAGATCAG[C>T]GAGTAAGTTTATCCATTTAGAAATTTGGGCTTCTTGGCCATAAATGATAGTTGGGAAAGC-3'
Protein context (NP_005724.1, residues 392-412): QGEGDIVPKI[Ser402=]ELSLCDLAGS

ClinVar aggregate classification (germline): Uncertain significance (1 of 4 stars; one submission).

Allele frequency attached by ClinVar (database versions not stated): gnomAD 0.00003; ExAC 0.00008; 1000 Genomes Project 30x 0.00031; gnomAD exomes 0.00008; 1000 Genomes Project 0.00020.
gnomAD v4.1: 118 of 1,612,434 alleles (0.0073%); highest among the groups gnomAD compares: Middle Eastern, 0.066%; no homozygotes.

Submissions (2):

Labcorp Genetics (formerly Invitae), Labcorp
Classification: Uncertain significance. Last evaluated: 2024-03-16. Review status: criteria provided, single submitter. Criteria: Invitae Variant Classification Sherloc (09022015). Collection method: clinical testing. Allele origin: germline.
Comment: This sequence change affects codon 402 of the KIF20A mRNA. It is a 'silent' change, meaning that it does not change the encoded amino acid sequence of the KIF20A protein. This variant is present in population databases (rs565096672, gnomAD 0.03%). This variant has not been reported in the literature in individuals affected with KIF20A-related conditions. ClinVar contains an entry for this variant (Variation ID: 2083994). Algorithms developed to predict the effect of sequence changes on RNA splicing suggest that this variant may disrupt the consensus splice site. In summary, the available evidence is currently insufficient to determine the role of this variant in disease. Therefore, it has been classified as a Variant of Uncertain Significance.

Dr. Peter K. Rogan Lab, Western University
No classification provided (evidence only). Condition: Gastric cancer. Review status: no classification provided. Collection method: in vitro. Allele origin: not applicable. Functional consequence: retained intron. Not counted in ClinVar's aggregate classification.